The following is an entry in ClinVar:

NM_017662.5(TRPM6):c.*919G>T

Gene: TRPM6 (transient receptor potential cation channel subfamily M member 6; minus strand). Cytogenetic location: 9q21.13.
Variant type: single nucleotide variant.
Coding change: c.*919G>T on transcript NM_017662.5 (MANE Select); 919 bases downstream of the stop codon, G replaced by T.
Molecular consequence: 3 prime UTR variant.
Genome position (GRCh38, 1-based): chr9:74,723,694, C>A on the plus strand (G>T on the coding strand, the complement: TRPM6 is on the minus strand). VCF-style: chr9-74723694-C-A. GRCh37 (hg19) VCF-style: chr9-77338610-C-A.
Other names: c.*919G>T (NM_001177310.2, NM_001177311.2).
Identifiers: ClinVar variation 913250 (VCV000913250.4), dbSNP rs371692085, ClinGen allele CA193286685.

ClinVar aggregate classification (germline): Likely benign (1 of 4 stars; one submission).

Conditions:
Intestinal hypomagnesemia 1. Also called: HYPOMAGNESEMIA, INTESTINAL, WITH SECONDARY HYPOCALCEMIA; HYPOMAGNESEMIC TETANY. Identifiers: Orphanet 30924, MedGen C1865974, MONDO:0011176, OMIM 602014.

Allele frequency attached by ClinVar (database versions not stated): TOPMed 0.00035; 1000 Genomes Project 30x 0.00203; 1000 Genomes Project 0.00240.

Submission:

Illumina Laboratory Services, Illumina
Classification: Likely benign for Intestinal hypomagnesemia 1. Last evaluated: 2018-01-13. Review status: criteria provided, single submitter. Criteria: ICSL Variant Classification Criteria 13 December 2019. Collection method: clinical testing. Allele origin: germline.
Comment: This variant was observed in the ICSL laboratory as part of a predisposition screen in an ostensibly healthy population. It had not been previously curated by ICSL or reported in the Human Gene Mutation Database (HGMD: prior to June 1st, 2018), and was therefore a candidate for classification through an automated scoring system. Utilizing variant allele frequency, disease prevalence and penetrance estimates, and inheritance mode, an automated score was calculated to assess if this variant is too frequent to cause the disease. Based on the score and internal cut-off values, a variant classified as likely benign is not then subjected to further curation. The score for this variant resulted in a classification of likely benign for this disease.